The following is an entry in ClinVar:

ClinVar aggregate classification (germline): Conflicting classifications of pathogenicity. Review status: criteria provided, conflicting classifications (1 of 4 stars). 3 submissions from 3 submitters: Uncertain significance (1); Benign (1); Likely benign (1). Last evaluated 2026-09-08.

Conditions:
KMT2D-related disorder. Also called: KMT2D-Related Disorders.
Kabuki syndrome. Also called: Kabuki make-up syndrome; NIIKAWA-KUROKI SYNDROME. Identifiers: Orphanet 2322, MedGen C0796004, MONDO:0016512.
Kabuki syndrome 1 (KABUK1). Also called: KMT2D-Related Kabuki Syndrome. Identifiers: Orphanet 2322, MedGen CN030661, MONDO:0007843, OMIM 147920.

Allele frequency attached by ClinVar (database versions not stated): TOPMed 0.00001; gnomAD exomes below 0.00001 and 0.00001.
gnomAD v4.1: 12 of 1,613,984 alleles (0.00074%); highest among the groups gnomAD compares: African/African-American, 0.0027%; no homozygotes.

Submissions (3):

PreventionGenetics, part of Exact Sciences
Classification: Uncertain significance for KMT2D-related condition. Last evaluated: 2026-09-08. Review status: criteria provided, single submitter. Criteria: ACMG Guidelines, 2015. Collection method: clinical testing. Allele origin: germline.
Comment: The KMT2D c.12053C>T variant is predicted to result in the amino acid substitution p.Thr4018Ile. To our knowledge, this variant has not been reported in the literature. This variant is reported in 0.0065% of alleles in individuals of African descent in gnomAD. Although we suspect that this variant may be benign, at this time, the clinical significance of this variant is uncertain due to the absence of conclusive functional and genetic evidence.

Labcorp Genetics (formerly Invitae), Labcorp
Classification: Benign for Kabuki syndrome. Last evaluated: 2022-12-06. Review status: criteria provided, single submitter. Criteria: Invitae Variant Classification Sherloc (09022015). Collection method: clinical testing. Allele origin: germline.

Victorian Clinical Genetics Services, Murdoch Childrens Research Institute
Classification: Likely benign for Kabuki syndrome 1. Last evaluated: 2020-05-21. Review status: criteria provided, single submitter. Criteria: ACMG Guidelines, 2015. Collection method: clinical testing. Allele origin: germline. Inheritance: Autosomal dominant inheritance. Affected: yes.
Comment: A heterozygous missense variant was identified, NM_003482.3(KMT2D):c.12053C>T in exon 39 of 54 of the KMT2D gene. This substitution is predicted to create a moderate amino acid change from a threonine to an isoleucine at position 4018 of the protein; NP_003473.3(KMT2D):p.(Thr4018Ile). The threonine at this position has low conservation (100 vertebrates, UCSC), and is not situated in a known functional domain. In silico software predictions of the pathogenicity of this variant are conflicting (Polyphen, SIFT, CADD, Mutation Taster). The variant is present in the gnomAD population database at a frequency of 0.0004% (1 heterozygote, 0 homozygotes). An alternative residue change at the same location has been reported in the gnomAD database at a frequency of 0.0008%. This variant has not previously been reported in clinical cases. Pathogenic variants in this gene are highly penetrant for a severe early-onset condition (Kabuki syndrome 1). Based on information available at the time of curation, this variant has been classified as LIKELY BENIGN. Legend: (P) - Pathogenic, (N) - Neutral, (B) - Benign

NM_003482.4(KMT2D):c.12053C>T (p.Thr4018Ile)

Gene: KMT2D (lysine methyltransferase 2D; minus strand). Cytogenetic location: 12q13.12.
Variant type: single nucleotide variant.
Coding change: c.12053C>T on transcript NM_003482.4 (MANE Select); coding-DNA position 12053, C replaced by T.
Protein change: p.Thr4018Ile; replaces threonine 4018 with isoleucine.
Molecular consequence: missense variant.
Genome position (GRCh38, 1-based): chr12:49,032,652, G>A on the plus strand (C>T on the coding strand, the complement: KMT2D is on the minus strand). VCF-style: chr12-49032652-G-A. GRCh37 (hg19) VCF-style: chr12-49426435-G-A.
Other names: short protein forms T4018I.
Identifiers: ClinVar variation 1435070 (VCV001435070.10), dbSNP rs1304208223, ClinGen allele CA384713163.